The following is an entry in ClinVar:

NM_004444.5(EPHB4):c.1691+6G>C

Gene: EPHB4 (EPH receptor B4; minus strand). Cytogenetic location: 7q22.1.
Variant type: single nucleotide variant.
Coding change: c.1691+6G>C on transcript NM_004444.5 (MANE Select); 6 bases into the intron after coding-DNA position 1691, G replaced by C.
Molecular consequence: intron variant.
Genome position (GRCh38, 1-based): chr7:100,813,913, C>G on the plus strand (G>C on the coding strand, the complement: EPHB4 is on the minus strand). VCF-style: chr7-100813913-C-G. GRCh37 (hg19) VCF-style: chr7-100411535-C-G.
Identifiers: ClinVar variation 4780434 (VCV004780434.1).

ClinVar aggregate classification (germline): Uncertain significance (1 of 4 stars; one submission).

Submission:

Labcorp Genetics (formerly Invitae), Labcorp
Classification: Uncertain significance. Last evaluated: 2025-11-01. Review status: criteria provided, single submitter. Criteria: Invitae Variant Classification Sherloc (09022015). Collection method: clinical testing. Allele origin: germline.
Comment: This sequence change falls in intron 9 of the EPHB4 gene. It does not directly change the encoded amino acid sequence of the EPHB4 protein. It affects a nucleotide within the consensus splice site. This variant is not present in population databases (gnomAD no frequency). This variant has not been reported in the literature in individuals affected with EPHB4-related conditions. Variants that disrupt the consensus splice site are a relatively common cause of aberrant splicing (PMID: 17576681, 9536098). Algorithms developed to predict the effect of sequence changes on RNA splicing suggest that this variant is not likely to affect RNA splicing. In summary, the available evidence is currently insufficient to determine the role of this variant in disease. Therefore, it has been classified as a Variant of Uncertain Significance.

Literature cited by the submitters: PubMed 17576681; PubMed 9536098.